The following is an entry in ClinVar:

NM_001144967.3(NEDD4L):c.901C>T (p.Arg301Trp)

Gene: NEDD4L (NEDD4 like E3 ubiquitin protein ligase; plus strand). Cytogenetic location: 18q21.31.
Variant type: single nucleotide variant.
Coding change: c.901C>T on transcript NM_001144967.3 (MANE Select); coding-DNA position 901, C replaced by T.
Protein change: p.Arg301Trp; replaces arginine 301 with tryptophan.
Molecular consequence: missense variant.
Genome position (GRCh38, 1-based): chr18:58,330,825, C>T. VCF-style: chr18-58330825-C-T. GRCh37 (hg19) VCF-style: chr18-55998057-C-T.
Other names: c.538C>T, p.Arg180Trp (NM_001144964.1, NM_001144965.2, NM_001144966.3 and 2 more transcripts); c.877C>T, p.Arg293Trp (NM_001144968.2, NM_001144969.2); c.901C>T, p.Arg301Trp (NM_001243960.2, NM_015277.6); short protein forms R180W, R293W, R301W.
Identifiers: ClinVar variation 859204 (VCV000859204.10), dbSNP rs968257095, ClinGen allele CA300915008.

ClinVar aggregate classification (germline): Uncertain significance. Review status: criteria provided, multiple submitters, no conflicts (2 of 4 stars). 2 submissions from 2 submitters: Uncertain significance (2). Last evaluated 2024-12-05.

Conditions:
Inborn genetic diseases. Identifiers: MedGen C0950123, MeSH D030342.

Allele frequency attached by ClinVar (database versions not stated): gnomAD exomes below 0.00001 and 0.00001; gnomAD 0.00001; TOPMed 0.00003.
gnomAD v4.1: 4 of 1,613,854 alleles (0.00025%); highest among the groups gnomAD compares: Admixed American, 0.0017%; no homozygotes.

Submissions (2):

Ambry Genetics
Classification: Uncertain significance for Inborn genetic diseases. Last evaluated: 2024-12-05. Review status: criteria provided, single submitter. Criteria: Ambry Variant Classification Scheme 2023. Collection method: clinical testing. Allele origin: germline.

Labcorp Genetics (formerly Invitae), Labcorp
Classification: Uncertain significance. Last evaluated: 2020-10-09. Review status: criteria provided, single submitter. Criteria: Invitae Variant Classification Sherloc (09022015). Collection method: clinical testing. Allele origin: germline.
Comment: In summary, the available evidence is currently insufficient to determine the role of this variant in disease. Therefore, it has been classified as a Variant of Uncertain Significance. Algorithms developed to predict the effect of missense changes on protein structure and function are either unavailable or do not agree on the potential impact of this missense change (SIFT: "Deleterious"; PolyPhen-2: "Possibly Damaging"; Align-GVGD: "Class C0"). This variant has not been reported in the literature in individuals with NEDD4L-related conditions. This variant is not present in population databases (ExAC no frequency). This sequence change replaces arginine with tryptophan at codon 301 of the NEDD4L protein (p.Arg301Trp). The arginine residue is moderately conserved and there is a moderate physicochemical difference between arginine and tryptophan.